The following is an entry in ClinVar:

ClinVar aggregate classification (germline): Uncertain significance (1 of 4 stars; one submission).

Allele frequency attached by ClinVar (database versions not stated): gnomAD exomes below 0.00001; gnomAD 0.00001.

Submission:

Labcorp Genetics (formerly Invitae), Labcorp
Classification: Uncertain significance. Last evaluated: 2022-12-07. Review status: criteria provided, single submitter. Criteria: Invitae Variant Classification Sherloc (09022015). Collection method: clinical testing. Allele origin: germline.
Comment: In summary, the available evidence is currently insufficient to determine the role of this variant in disease. Therefore, it has been classified as a Variant of Uncertain Significance. Algorithms developed to predict the effect of sequence changes on RNA splicing suggest that this variant may create or strengthen a splice site. This variant has not been reported in the literature in individuals affected with TWNK-related conditions. This variant is not present in population databases (gnomAD no frequency). This sequence change falls in intron 3 of the TWNK gene. It does not directly change the encoded amino acid sequence of the TWNK protein.

NM_021830.5(TWNK):c.1593-17T>G

Gene: TWNK (twinkle mtDNA helicase; plus strand). Cytogenetic location: 10q24.31.
Variant type: single nucleotide variant.
Coding change: c.1593-17T>G on transcript NM_021830.5 (MANE Select); 17 bases into the intron before coding-DNA position 1593, T replaced by G.
Molecular consequence: intron variant.
Genome position (GRCh38, 1-based): chr10:100,990,852, T>G. VCF-style: chr10-100990852-T-G. GRCh37 (hg19) VCF-style: chr10-102750609-T-G.
Other names: c.1593-17T>G (NM_001163812.2); c.231-17T>G (NM_001163814.2, NM_001163813.2, NM_001368275.1).
Identifiers: ClinVar variation 2792827 (VCV002792827.3), dbSNP rs1851750413, ClinGen allele CA931811565.